The following is an entry in ClinVar:

ClinVar aggregate classification (germline): Conflicting classifications of pathogenicity. Review status: criteria provided, conflicting classifications (1 of 4 stars). 4 submissions from 4 submitters: Uncertain significance (3); Likely benign (1). Last evaluated 2025-09-13.

Conditions:
Catecholaminergic polymorphic ventricular tachycardia (CVPT). Also called: Catecholamine-induced polymorphic ventricular tachycardia. Identifiers: Orphanet 3286, MedGen C5574922, MONDO:0017990.
Catecholaminergic polymorphic ventricular tachycardia 1. Also called: VENTRICULAR TACHYCARDIA, CATECHOLAMINERGIC POLYMORPHIC, 1, WITH OR WITHOUT ATRIAL DYSFUNCTION AND/OR DILATED CARDIOMYOPATHY; VENTRICULAR TACHYCARDIA, STRESS-INDUCED POLYMORPHIC 1; RYR2-Related Catecholaminergic Polymorphic Ventricular Tachycardia. Identifiers: Orphanet 3286, MedGen C1631597, MONDO:0011484, OMIM 604772.
Cardiomyopathy (CMYO). Also called: Cardiomyopathies. Identifiers: Orphanet 167848, MedGen C0878544, MONDO:0004994, HP:0001638. Inheritance: Various modes of inheritance.
Cardiovascular phenotype. Identifiers: MedGen CN230736.

gnomAD v4.1: 3 of 1,564,582 alleles (0.00019%); highest among the groups gnomAD compares: East Asian, 0.0023%; no homozygotes.

Submissions (4):

Color Diagnostics, LLC DBA Color Health
Classification: Uncertain significance for Cardiomyopathy. Last evaluated: 2025-09-13. Review status: criteria provided, single submitter. Criteria: ACMG Guidelines, 2015. Collection method: clinical testing. Allele origin: germline.
Comment: This missense variant replaces alanine with glycine at codon 2603 of the RYR2 protein. Computational prediction suggests that this variant may not impact protein structure and function. To our knowledge, functional studies have not been reported for this variant. This variant has not been reported in individuals affected with RYR2-related disorders in the literature. This variant has been identified in 2/197016 chromosomes in the general population by the Genome Aggregation Database (gnomAD). The available evidence is insufficient to determine the role of this variant in disease conclusively. Therefore, this variant is classified as a Variant of Uncertain Significance.

All of Us Research Program, National Institutes of Health
Classification: Uncertain significance for Catecholaminergic polymorphic ventricular tachycardia. Last evaluated: 2024-08-06. Review status: criteria provided, single submitter. Criteria: ACMG Guidelines, 2015. Collection method: clinical testing. Allele origin: germline. Inheritance: Autosomal dominant inheritance. Observed: 1 variant allele, 1 heterozygote.
Comment: This study involves interpretation of variants in research participants for the purpose of population health screening. Participant phenotype was not available at the time of variant classification. Additional details can be found in publication PMID: 35346344, PMCID: PMC8962531

Ambry Genetics
Classification: Uncertain significance for Cardiovascular phenotype. Last evaluated: 2024-04-11. Review status: criteria provided, single submitter. Criteria: Ambry Variant Classification Scheme 2023. Collection method: clinical testing. Allele origin: germline.
Comment: The p.A2603G variant (also known as c.7808C>G), located in coding exon 51 of the RYR2 gene, results from a C to G substitution at nucleotide position 7808. The alanine at codon 2603 is replaced by glycine, an amino acid with similar properties. This amino acid position is not well conserved in available vertebrate species. In addition, the in silico prediction for this alteration is inconclusive. Since supporting evidence is limited at this time, the clinical significance of this alteration remains unclear.

Labcorp Genetics (formerly Invitae), Labcorp
Classification: Likely benign for Catecholaminergic polymorphic ventricular tachycardia 1. Last evaluated: 2024-01-08. Review status: criteria provided, single submitter. Criteria: Invitae Variant Classification Sherloc (09022015). Collection method: clinical testing. Allele origin: germline.

NM_001035.3(RYR2):c.7808C>G (p.Ala2603Gly)

Gene: RYR2 (ryanodine receptor 2; plus strand). Cytogenetic location: 1q43.
Variant type: single nucleotide variant.
Coding change: c.7808C>G on transcript NM_001035.3 (MANE Select); coding-DNA position 7808, C replaced by G.
Protein change: p.Ala2603Gly; replaces alanine 2603 with glycine.
Molecular consequence: missense variant.
Genome position (GRCh38, 1-based): chr1:237,651,485, C>G. VCF-style: chr1-237651485-C-G. GRCh37 (hg19) VCF-style: chr1-237814785-C-G.
Other names: short protein forms A2603G.
Identifiers: ClinVar variation 1760710 (VCV001760710.8), dbSNP rs752607318, ClinGen allele CA087499.